The following is an entry in ClinVar:

NM_001023570.4(IQCB1):c.1279-16A>G

Gene: IQCB1 (IQ motif containing B1; minus strand). Cytogenetic location: 3q13.33.
Variant type: single nucleotide variant.
Coding change: c.1279-16A>G on transcript NM_001023570.4 (MANE Select); 16 bases into the intron before coding-DNA position 1279, A replaced by G.
Molecular consequence: intron variant.
Genome position (GRCh38, 1-based): chr3:121,781,890, T>C on the plus strand (A>G on the coding strand, the complement: IQCB1 is on the minus strand). VCF-style: chr3-121781890-T-C. GRCh37 (hg19) VCF-style: chr3-121500737-T-C.
Other names: c.1279-16A>G (NM_001319107.2); c.880-16A>G (NM_001023571.4).
Identifiers: ClinVar variation 1506372 (VCV001506372.3), dbSNP rs754160972, ClinGen allele CA2567143.

ClinVar aggregate classification (germline): Uncertain significance (1 of 4 stars; one submission).

Conditions:
Nephronophthisis. Also called: Juvenile Nephronophthisis. Identifiers: Orphanet 655, MedGen C0687120, MONDO:0019005, HP:0000090.

Allele frequency attached by ClinVar (database versions not stated): TOPMed below 0.00001; gnomAD 0.00001; gnomAD exomes 0.00001; ExAC 0.00002.
gnomAD v4.1: 14 of 1,610,590 alleles (0.00087%); highest among the groups gnomAD compares: Admixed American, 0.0084%; 1 homozygote.

Submission:

Labcorp Genetics (formerly Invitae), Labcorp
Classification: Uncertain significance for Nephronophthisis. Last evaluated: 2022-09-27. Review status: criteria provided, single submitter. Criteria: Invitae Variant Classification Sherloc (09022015). Collection method: clinical testing. Allele origin: germline.
Comment: This sequence change falls in intron 12 of the IQCB1 gene. It does not directly change the encoded amino acid sequence of the IQCB1 protein. This variant is present in population databases (rs754160972, gnomAD 0.003%). This variant has not been reported in the literature in individuals affected with IQCB1-related conditions. ClinVar contains an entry for this variant (Variation ID: 1506372). Algorithms developed to predict the effect of sequence changes on RNA splicing suggest that this variant may create or strengthen a splice site. In summary, the available evidence is currently insufficient to determine the role of this variant in disease. Therefore, it has been classified as a Variant of Uncertain Significance.